The following is an entry in ClinVar:

NM_017534.6(MYH2):c.3452A>T (p.Glu1151Val)

Genes: MYH2 (myosin heavy chain 2; minus strand), MYHAS (myosin heavy chain gene cluster antisense RNA; plus strand). Cytogenetic location: 17p13.1.
Variant type: single nucleotide variant.
Coding change: c.3452A>T on transcript NM_017534.6 (MANE Select); coding-DNA position 3452, A replaced by T.
Protein change: p.Glu1151Val; replaces glutamic acid 1151 with valine.
Molecular consequence: missense variant.
Genome position (GRCh38, 1-based): chr17:10,528,982, T>A on the plus strand (A>T on the coding strand, the complement: MYH2 is on the minus strand). VCF-style: chr17-10528982-T-A. GRCh37 (hg19) VCF-style: chr17-10432299-T-A.
Other names: c.3452A>T, p.Glu1151Val (NM_001100112.2); short protein forms E1151V.
Identifiers: ClinVar variation 4746580 (VCV004746580.1).

ClinVar aggregate classification (germline): Uncertain significance (1 of 4 stars; one submission).

Conditions:
Myopathy, proximal, and ophthalmoplegia (CMYO6). Also called: MYOPATHY WITH CONGENITAL JOINT CONTRACTURES, OPHTHALMOPLEGIA, AND RIMMED VACUOLES; CONGENITAL MYOPATHY 6 WITH OPHTHALMOPLEGIA; INCLUSION BODY MYOPATHY 3, AUTOSOMAL DOMINANT. Identifiers: Orphanet 363677, Orphanet 79091, MedGen C1854106, MONDO:0011577, OMIM 605637.

Submission:

Labcorp Genetics (formerly Invitae), Labcorp
Classification: Uncertain significance for Myopathy, proximal, and ophthalmoplegia. Last evaluated: 2025-06-06. Review status: criteria provided, single submitter. Criteria: Invitae Variant Classification Sherloc (09022015). Collection method: clinical testing. Allele origin: germline.
Comment: This sequence change replaces glutamic acid, which is acidic and polar, with valine, which is neutral and non-polar, at codon 1151 of the MYH2 protein (p.Glu1151Val). This variant is not present in population databases (gnomAD no frequency). This variant has not been reported in the literature in individuals affected with MYH2-related conditions. Invitae Evidence Modeling of protein sequence and biophysical properties (such as structural, functional, and spatial information, amino acid conservation, physicochemical variation, residue mobility, and thermodynamic stability) indicates that this missense variant is expected to disrupt MYH2 protein function with a positive predictive value of 80%. In summary, the available evidence is currently insufficient to determine the role of this variant in disease. Therefore, it has been classified as a Variant of Uncertain Significance.